The following is an entry in ClinVar:

NM_001033855.3(DCLRE1C):c.362+5G>C

Gene: DCLRE1C (DNA cross-link repair 1C; minus strand). Cytogenetic location: 10p13.
Variant type: single nucleotide variant.
Coding change: c.362+5G>C on transcript NM_001033855.3 (MANE Select); 5 bases into the intron after coding-DNA position 362, G replaced by C.
Molecular consequence: intron variant.
Genome position (GRCh38, 1-based): chr10:14,936,533, C>G on the plus strand (G>C on the coding strand, the complement: DCLRE1C is on the minus strand). VCF-style: chr10-14936533-C-G. GRCh37 (hg19) VCF-style: chr10-14978532-C-G.
Other names: c.18-969G>C (NM_001350966.2, NM_001289078.2, NM_001289076.2 and 1 more transcripts); c.362+5G>C (NM_001350965.2); c.2+5G>C (NM_001350967.2, NM_001289077.2, NM_001289079.2 and 2 more transcripts).
Identifiers: ClinVar variation 4814552 (VCV004814552.1).

ClinVar aggregate classification (germline): Likely pathogenic (1 of 4 stars; one submission).

Conditions:
Athabaskan severe combined immunodeficiency (SCIDA). Also called: Severe combined immunodeficiency, athabascan-type. Identifiers: MedGen C1865370.

Submission:

Natera, Inc.
Classification: Likely pathogenic for Athabascan severe combined immunodeficiency. Last evaluated: 2024-12-23. Review status: criteria provided, single submitter. Criteria: Natera Variant Classification Schema (03/2026). Collection method: clinical testing. Allele origin: germline.
Comment: The c.362+5G>C variant in DCLRE1C is an intronic variant located outside the canonical splice sites. This variant is rare in the general population with a frequency below the threshold expected for the associated phenotype(s). This variant has been observed in one or more individuals affected with the associated recessive disease, as either homozygous or compound heterozygous with a second variant (PMID: 19953608). Functional studies show that this variant may disrupt protein function (PMID: 19953608). Computational prediction algorithms indicate this variant is likely to affect gene or protein function. Given the available evidence, this variant is classified as Likely Pathogenic.

Literature cited by the submitters: PubMed 19953608.